The following is an entry in ClinVar:

NM_012469.4(PRPF6):c.1306-7C>T

Gene: PRPF6 (pre-mRNA processing factor 6; plus strand). Cytogenetic location: 20q13.33.
Variant type: single nucleotide variant.
Coding change: c.1306-7C>T on transcript NM_012469.4 (MANE Select); 7 bases into the intron before coding-DNA position 1306, C replaced by T.
Molecular consequence: intron variant.
Genome position (GRCh38, 1-based): chr20:64,011,278, C>T. VCF-style: chr20-64011278-C-T. GRCh37 (hg19) VCF-style: chr20-62642631-C-T.
Identifiers: ClinVar variation 897224 (VCV000897224.14), dbSNP rs373810213, ClinGen allele CA9972165.

ClinVar aggregate classification (germline): Conflicting classifications of pathogenicity. Review status: criteria provided, conflicting classifications (1 of 4 stars). 4 submissions from 4 submitters: Uncertain significance (1); Benign (1); Likely benign (2). Last evaluated 2026-07-08.

Conditions:
PRPF6-related disorder. Also called: PRPF6-related condition.
Retinitis pigmentosa (RP). Identifiers: Orphanet 791, MedGen C0035334, MeSH D012174, MONDO:0019200, OMIM 268000. Inheritance: Autosomal dominant, autosomal recessive and X linked inheritance.

Allele frequency attached by ClinVar (database versions not stated): ESP Exome Variant Server 0.00008; gnomAD exomes 0.00010 and 0.00029; ExAC 0.00014; 1000 Genomes Project 30x 0.00016; 1000 Genomes Project 0.00020; gnomAD 0.00052 and 0.00053; TOPMed 0.00053.
gnomAD v4.1: 225 of 1,613,854 alleles (0.014%); highest among the groups gnomAD compares: Admixed American, 0.21%; 1 homozygote.

Submissions (4):

PreventionGenetics, part of Exact Sciences
Classification: Likely benign for PRPF6-related condition. Last evaluated: 2026-07-08. Review status: criteria provided, single submitter. Criteria: ACMG Guidelines, 2015. Collection method: clinical testing. Allele origin: germline.
Comment: This variant is classified as likely benign based on ACMG/AMP sequence variant interpretation guidelines (Richards et al. 2015 PMID: 25741868, with internal and published modifications).

Labcorp Genetics (formerly Invitae), Labcorp
Classification: Benign. Last evaluated: 2025-11-13. Review status: criteria provided, single submitter. Criteria: Invitae Variant Classification Sherloc (09022015). Collection method: clinical testing. Allele origin: germline.

Blueprint Genetics
Classification: Likely benign. Last evaluated: 2024-09-23. Review status: criteria provided, single submitter. Criteria: ACMG Guidelines, 2015. Collection method: clinical testing. Allele origin: germline.

Illumina Laboratory Services, Illumina
Classification: Uncertain significance for Retinitis pigmentosa. Last evaluated: 2018-01-19. Review status: criteria provided, single submitter. Criteria: ICSL Variant Classification Criteria 13 December 2019. Collection method: clinical testing. Allele origin: germline.